The following is an entry in ClinVar:

ClinVar aggregate classification (germline): Uncertain significance (1 of 4 stars; one submission).

Allele frequency attached by ClinVar (database versions not stated): gnomAD exomes below 0.00001; ExAC 0.00001; gnomAD 0.00001; 1000 Genomes Project 30x 0.00016; 1000 Genomes Project 0.00020.
gnomAD v4.1: 1 of 1,607,518 alleles (0.000062%); highest among the groups gnomAD compares: Non-Finnish European, 0.000085%; no homozygotes.

Submission:

GeneDx
Classification: Uncertain significance. Last evaluated: 2022-04-18. Review status: criteria provided, single submitter. Criteria: GeneDx Variant Classification Process June 2021. Collection method: clinical testing. Allele origin: germline. Affected: yes.
Comment: Not observed at significant frequency in large population cohorts (gnomAD); In silico analysis supports that this missense variant does not alter protein structure/function; Has not been previously published as pathogenic or benign to our knowledge; This variant is associated with the following publications: (PMID: 27521439)

NM_001127644.2(GABRA1):c.265A>G (p.Ile89Val)

Gene: GABRA1 (gamma-aminobutyric acid type A receptor subunit alpha1; plus strand). Cytogenetic location: 5q34.
Variant type: single nucleotide variant.
Coding change: c.265A>G on transcript NM_001127644.2 (MANE Select); coding-DNA position 265, A replaced by G.
Protein change: p.Ile89Val; replaces isoleucine 89 with valine.
Molecular consequence: missense variant.
Genome position (GRCh38, 1-based): chr5:161,873,126, A>G. VCF-style: chr5-161873126-A-G. GRCh37 (hg19) VCF-style: chr5-161300132-A-G.
Other names: c.265A>G, p.Ile89Val (NM_000806.5, NM_001127643.2, NM_001127645.2 and 1 more transcripts); short protein forms I89V.
Identifiers: ClinVar variation 1683897 (VCV001683897.2), dbSNP rs146428720, ClinGen allele CA3544392.